The following is an entry in ClinVar:

ClinVar aggregate classification (germline): Uncertain significance (1 of 4 stars; one submission).

Conditions:
Kabuki syndrome. Also called: Kabuki make-up syndrome; NIIKAWA-KUROKI SYNDROME. Identifiers: Orphanet 2322, MedGen C0796004, MONDO:0016512.

Submission:

Labcorp Genetics (formerly Invitae), Labcorp
Classification: Uncertain significance for Kabuki syndrome. Last evaluated: 2024-01-21. Review status: criteria provided, single submitter. Criteria: Invitae Variant Classification Sherloc (09022015). Collection method: clinical testing. Allele origin: germline.
Comment: This sequence change replaces proline, which is neutral and non-polar, with glutamine, which is neutral and polar, at codon 4380 of the KMT2D protein (p.Pro4380Gln). This variant is not present in population databases (gnomAD no frequency). This variant has not been reported in the literature in individuals affected with KMT2D-related conditions. Advanced modeling of protein sequence and biophysical properties (such as structural, functional, and spatial information, amino acid conservation, physicochemical variation, residue mobility, and thermodynamic stability) performed at Invitae indicates that this missense variant is not expected to disrupt KMT2D protein function with a negative predictive value of 95%. In summary, the available evidence is currently insufficient to determine the role of this variant in disease. Therefore, it has been classified as a Variant of Uncertain Significance.

NM_003482.4(KMT2D):c.13139C>A (p.Pro4380Gln)

Gene: KMT2D (lysine methyltransferase 2D; minus strand). Cytogenetic location: 12q13.12.
Variant type: single nucleotide variant.
Coding change: c.13139C>A on transcript NM_003482.4 (MANE Select); coding-DNA position 13139, C replaced by A.
Protein change: p.Pro4380Gln; replaces proline 4380 with glutamine.
Molecular consequence: missense variant.
Genome position (GRCh38, 1-based): chr12:49,031,566, G>T on the plus strand (C>A on the coding strand, the complement: KMT2D is on the minus strand). VCF-style: chr12-49031566-G-T. GRCh37 (hg19) VCF-style: chr12-49425349-G-T.
Other names: short protein forms P4380Q.
Identifiers: ClinVar variation 2981639 (VCV002981639.3), dbSNP rs771853264, ClinGen allele CA384707177.